The following is an entry in ClinVar:

NC_000001.10:g.(?_155260363)_(155265567_?)del

Gene: PKLR (pyruvate kinase L/R; minus strand). Cytogenetic location: 1q22.
Variant type: Deletion.
Identifiers: ClinVar variation 3247880 (VCV003247880.1).

ClinVar aggregate classification (germline): Pathogenic (1 of 4 stars; one submission).

Submission:

Labcorp Genetics (formerly Invitae), Labcorp
Classification: Pathogenic. Last evaluated: 2023-05-02. Review status: criteria provided, single submitter. Criteria: Invitae Variant Classification Sherloc (09022015). Collection method: clinical testing. Allele origin: unknown.
Comment: For these reasons, this variant has been classified as Pathogenic. This variant disrupts a region of the PKLR protein in which other variant(s) (p.Gly557Ala) have been determined to be pathogenic (PMID: 10354117, 27871768). This suggests that this is a clinically significant region of the protein, and that variants that disrupt it are likely to be disease-causing. This variant has not been reported in the literature in individuals affected with PKLR-related conditions. This variant is a gross deletion of the genomic region encompassing exon(s) 3-11 of the PKLR gene, which includes the termination codon. This deletion extends beyond the assayed region for this gene and therefore may encompass additional genes. While this deletion is not anticipated to lead to nonsense mediated decay, it is expected to alter mRNA translation or result in a truncated protein product.

Literature cited by the submitters: PubMed 10354117; PubMed 27871768.